The following is an entry in ClinVar:

NM_004972.4(JAK2):c.3378A>C (p.Ile1126=)

Genes: INSL6 (insulin like 6; minus strand), JAK2 (Janus kinase 2; plus strand). Cytogenetic location: 9p24.1.
Variant type: single nucleotide variant.
Coding change: c.3378A>C on transcript NM_004972.4 (MANE Select); coding-DNA position 3378, A replaced by C.
Protein change: p.Ile1126=; no amino-acid change (isoleucine 1126 retained).
Molecular consequence: synonymous variant. On other transcripts: non-coding transcript variant (2).
Genome position (GRCh38, 1-based): chr9:5,126,770, A>C. VCF-style: chr9-5126770-A-C. GRCh37 (hg19) VCF-style: chr9-5126770-A-C.
Other names: c.3378A>C, p.Ile1126= (NM_001322194.2, NM_001322195.2, NM_001322196.2); c.2163A>C, p.Ile721= (NM_001322198.2, NM_001322199.2); c.2931A>C, p.Ile977= (NM_001322204.2).
Identifiers: ClinVar variation 735851 (VCV000735851.10), dbSNP rs145153225, ClinGen allele CA4972440.
Genomic context (GRCh38, chr9:5,126,770, plus strand): 5'-GAACAATAATGTAAATCAACGCCCCTCCTTTAGGGATCTAGCTCTTCGAGTGGATCAAAT[A>C]AGGGATAACATGGCTGGATGAAAGAAATGACCTTCATTCTGAGACCAAAGTAGATTTACA-3'
Protein context (NP_004963.1, residues 1116-1132): FRDLALRVDQ[Ile1126=]RDNMAG

ClinVar aggregate classification (germline): Likely benign. Review status: criteria provided, multiple submitters, no conflicts (2 of 4 stars). 3 submissions from 3 submitters: Likely benign (2). 1 of the submissions does not count toward it. Last evaluated 2026-01-11.

Conditions:
JAK2-related disorder. Also called: JAK2-related condition.

Allele frequency attached by ClinVar (database versions not stated): ExAC 0.00005; gnomAD 0.00007; TOPMed 0.00007; gnomAD exomes 0.00008 and 0.00023; ESP Exome Variant Server 0.00023.
gnomAD v4.1: 333 of 1,607,458 alleles (0.021%); highest among the groups gnomAD compares: Non-Finnish European, 0.027%; no homozygotes.

Submissions (3):

Labcorp Genetics (formerly Invitae), Labcorp
Classification: Likely benign. Last evaluated: 2026-01-11. Review status: criteria provided, single submitter. Criteria: Invitae Variant Classification Sherloc (09022015). Collection method: clinical testing. Allele origin: germline.

Blueprint Genetics
Classification: Likely benign. Last evaluated: 2024-06-07. Review status: criteria provided, single submitter. Criteria: ACMG Guidelines, 2015. Collection method: clinical testing. Allele origin: germline.

PreventionGenetics, part of Exact Sciences
Classification: Likely benign for JAK2-related condition. Last evaluated: 2023-12-21. Review status: no assertion criteria provided. Collection method: clinical testing. Allele origin: germline. Not counted in ClinVar's aggregate classification.
Comment: This variant is classified as likely benign based on ACMG/AMP sequence variant interpretation guidelines (Richards et al. 2015 PMID: 25741868, with internal and published modifications).